The following is an entry in ClinVar:

ClinVar aggregate classification (germline): Likely pathogenic (1 of 4 stars; one submission).

Conditions:
Coffin-Siris syndrome 7. Identifiers: MedGen C4747954, MONDO:0054831, OMIM 618027.

Submission:

Pittsburgh Clinical Genomics Laboratory, University of Pittsburgh Medical Center
Classification: Likely pathogenic for Coffin-Siris syndrome 7. Last evaluated: 2023-04-14. Review status: criteria provided, single submitter. Criteria: ACMG Guidelines, 2015. Collection method: clinical testing. Allele origin: germline. Inheritance: Autosomal dominant inheritance. Affected: yes.
Comment: This sequence variant is a single nucleotide substitution (G>T) at coding position 899 of the DPF2 gene that results in an arginine to leucine amino acid change at residue 300 of the DPF2 protein. This is a novel, de novo variant that has not been previously observed in databases of clinically annotated variants (ClinVar) or in the literature in individuals with a DPF2-related illness, to our knowledge. This variant is absent from the gnomAD population database (0 of ~250,000 alleles). Bioinformatic tools produce mixed predictions as to whether this variant would be damaging or tolerated and the Arg300 residue is highly conserved across the vertebrate species examined. This variant is found in the PHD-type 1 domain, which is involved in mediating protein interactions, binding on nucleosomes, and recognizing post-translatiol histone modifications (PMID: 29429572). Studies testing the effect of this variant on protein structure or activity have not been performed, to our knowledge. Given the evidence we consider this variant to be likely pathogenic. ACMG Criteria: PM1, PM2, PS2

Literature cited by the submitters: PubMed 29429572.

NM_006268.5(DPF2):c.899G>T (p.Arg300Leu)

Gene: DPF2 (double PHD fingers 2; plus strand). Cytogenetic location: 11q13.1.
Variant type: single nucleotide variant.
Coding change: c.899G>T on transcript NM_006268.5 (MANE Select); coding-DNA position 899, G replaced by T.
Protein change: p.Arg300Leu; replaces arginine 300 with leucine.
Molecular consequence: missense variant.
Genome position (GRCh38, 1-based): chr11:65,346,053, G>T. VCF-style: chr11-65346053-G-T. GRCh37 (hg19) VCF-style: chr11-65113524-G-T.
Other names: c.941G>T, p.Arg314Leu (NM_001330308.2); short protein forms R300L, R314L.
Identifiers: ClinVar variation 3376275 (VCV003376275.1).